The following is an entry in ClinVar:

NM_001012426.2(FOXP4):c.694A>C (p.Lys232Gln)

Gene: FOXP4 (forkhead box P4; plus strand). Cytogenetic location: 6p21.1.
Variant type: single nucleotide variant.
Coding change: c.694A>C on transcript NM_001012426.2 (MANE Select); coding-DNA position 694, A replaced by C.
Protein change: p.Lys232Gln; replaces lysine 232 with glutamine.
Molecular consequence: missense variant.
Genome position (GRCh38, 1-based): chr6:41,587,334, A>C. VCF-style: chr6-41587334-A-C. GRCh37 (hg19) VCF-style: chr6-41555072-A-C.
Other names: c.691A>C, p.Lys231Gln (NM_138457.3); c.688A>C, p.Lys230Gln (NM_001012427.2); c.694A>C, p.Lys232Gln (NM_001405824.1); c.598A>C, p.Lys200Gln (NM_001405825.1, NM_001405826.1); short protein forms K200Q, K230Q, K231Q, K232Q.
Identifiers: ClinVar variation 4686411 (VCV004686411.1).

ClinVar aggregate classification (germline): Uncertain significance (1 of 4 stars; one submission).

Submission:

GeneDx
Classification: Uncertain significance. Last evaluated: 2025-07-15. Review status: criteria provided, single submitter. Criteria: GeneDx Variant Classification Process June 2021. Collection method: clinical testing. Allele origin: germline. Affected: yes.
Comment: Not observed at significant frequency in large population cohorts (gnomAD); In silico analysis supports that this missense variant has a deleterious effect on protein structure/function; Has not been previously published as pathogenic or benign to our knowledge